The following is an entry in ClinVar:

ClinVar aggregate classification (germline): Uncertain significance (1 of 4 stars; one submission).

Conditions:
Glucose-6-phosphate transport defect (GSD1B). Also called: Glycogen Storage Disease Type Ib; GSD Ib. Identifiers: Orphanet 364, Orphanet 79259, MedGen C0268146, MONDO:0009288, OMIM 232220.

Submission:

Labcorp Genetics (formerly Invitae), Labcorp
Classification: Uncertain significance for Glucose-6-phosphate transport defect. Last evaluated: 2025-05-13. Review status: criteria provided, single submitter. Criteria: Invitae Variant Classification Sherloc (09022015). Collection method: clinical testing. Allele origin: germline.
Comment: This sequence change replaces asparagine, which is neutral and polar, with aspartic acid, which is acidic and polar, at codon 295 of the SLC37A4 protein (p.Asn295Asp). This variant is not present in population databases (gnomAD no frequency). This variant has not been reported in the literature in individuals affected with SLC37A4-related conditions. Invitae Evidence Modeling of protein sequence and biophysical properties (such as structural, functional, and spatial information, amino acid conservation, physicochemical variation, residue mobility, and thermodynamic stability) indicates that this missense variant is not expected to disrupt SLC37A4 protein function with a negative predictive value of 95%. In summary, the available evidence is currently insufficient to determine the role of this variant in disease. Therefore, it has been classified as a Variant of Uncertain Significance.

NM_001164277.2(SLC37A4):c.883A>G (p.Asn295Asp)

Gene: SLC37A4 (solute carrier family 37 member 4; minus strand). Cytogenetic location: 11q23.3.
Variant type: single nucleotide variant.
Coding change: c.883A>G on transcript NM_001164277.2 (MANE Select); coding-DNA position 883, A replaced by G.
Protein change: p.Asn295Asp; replaces asparagine 295 with aspartic acid.
Molecular consequence: missense variant.
Genome position (GRCh38, 1-based): chr11:119,026,068, T>C on the plus strand (A>G on the coding strand, the complement: SLC37A4 is on the minus strand). VCF-style: chr11-119026068-T-C. GRCh37 (hg19) VCF-style: chr11-118896778-T-C.
Other names: c.883A>G, p.Asn295Asp (NM_001164278.2, NM_001164280.2, NM_001467.6); c.664A>G, p.Asn222Asp (NM_001164279.2); short protein forms N222D, N295D.
Identifiers: ClinVar variation 4800593 (VCV004800593.1).